The following is an entry in ClinVar:

ClinVar aggregate classification (germline): Conflicting classifications of pathogenicity. Review status: criteria provided, conflicting classifications (1 of 4 stars). 5 submissions from 5 submitters: Uncertain significance (1); Likely benign (4). Last evaluated 2025-12-20.

Conditions:
Hypertrophic cardiomyopathy 10. Also called: CARDIOMYOPATHY, HYPERTROPHIC, MID-LEFT VENTRICULAR CHAMBER TYPE, 2; MYL2-Related Familial Hypertrophic Cardiomyopathy. Identifiers: MedGen C1834460, MONDO:0012112, OMIM 608758.
Hypertrophic cardiomyopathy. Also called: HYPERTROPHIC MYOCARDIOPATHY. Identifiers: Orphanet 217569, MedGen C0007194, MeSH D002312, MONDO:0005045, HP:0001639.
Cardiomyopathy (CMYO). Also called: Cardiomyopathies. Identifiers: Orphanet 167848, MedGen C0878544, MONDO:0004994, HP:0001638. Inheritance: Various modes of inheritance.

Allele frequency attached by ClinVar (database versions not stated): TOPMed below 0.00001; gnomAD 0.00001; gnomAD exomes 0.00002 and 0.00004; ExAC 0.00003.
gnomAD v4.1: 38 of 1,614,084 alleles (0.0024%); highest among the groups gnomAD compares: Middle Eastern, 0.066%; 1 homozygote.

Submissions (5):

Labcorp Genetics (formerly Invitae), Labcorp
Classification: Likely benign for Hypertrophic cardiomyopathy 10. Last evaluated: 2025-12-20. Review status: criteria provided, single submitter. Criteria: Invitae Variant Classification Sherloc (09022015). Collection method: clinical testing. Allele origin: germline.

All of Us Research Program, National Institutes of Health
Classification: Likely benign for Hypertrophic cardiomyopathy. Last evaluated: 2024-08-06. Review status: criteria provided, single submitter. Criteria: ACMG Guidelines, 2015. Collection method: clinical testing. Allele origin: germline. Inheritance: Autosomal dominant inheritance. Observed: 8 variant alleles, 8 heterozygotes.
Comment: This study involves interpretation of variants in research participants for the purpose of population health screening. Participant phenotype was not available at the time of variant classification. Additional details can be found in publication PMID: 35346344, PMCID: PMC8962531

Color Diagnostics, LLC DBA Color Health
Classification: Likely benign for Cardiomyopathy. Last evaluated: 2019-10-15. Review status: criteria provided, single submitter. Criteria: ACMG Guidelines, 2015. Collection method: clinical testing. Allele origin: germline.

Illumina Laboratory Services, Illumina
Classification: Uncertain significance for Hypertrophic cardiomyopathy 10. Last evaluated: 2018-01-12. Review status: criteria provided, single submitter. Criteria: ICSL Variant Classification Criteria 13 December 2019. Collection method: clinical testing. Allele origin: germline.

GeneDx
Classification: Likely benign. Last evaluated: 2015-12-21. Review status: criteria provided, single submitter. Criteria: GeneDx Variant Classification (06012015). Collection method: clinical testing. Allele origin: germline. Affected: yes.
Comment: This variant is considered likely benign or benign based on one or more of the following criteria: it is a conservative change, it occurs at a poorly conserved position in the protein, it is predicted to be benign by multiple in silico algorithms, and/or has population frequency not consistent with disease.

NM_000432.4(MYL2):c.275-12G>A

Gene: MYL2 (myosin light chain 2; minus strand). Cytogenetic location: 12q24.11.
Variant type: single nucleotide variant.
Coding change: c.275-12G>A on transcript NM_000432.4 (MANE Select); 12 bases into the intron before coding-DNA position 275, G replaced by A.
Molecular consequence: intron variant.
Genome position (GRCh38, 1-based): chr12:110,913,336, C>T on the plus strand (G>A on the coding strand, the complement: MYL2 is on the minus strand). VCF-style: chr12-110913336-C-T. GRCh37 (hg19) VCF-style: chr12-111351140-C-T.
Identifiers: ClinVar variation 307214 (VCV000307214.13), dbSNP rs750937792, ClinGen allele CA041181.